The following is an entry in ClinVar:

ClinVar aggregate classification (germline): Uncertain significance (1 of 4 stars; one submission).

Conditions:
Familial cold autoinflammatory syndrome 3 (FCAS3). Also called: FAMILIAL ATYPICAL COLD URTICARIA; ANTIBODY DEFICIENCY AND IMMUNE DYSREGULATION, PLCG2-ASSOCIATED. Identifiers: Orphanet 300359, MedGen C3280914, MONDO:0013766, OMIM 614468.

Submission:

Labcorp Genetics (formerly Invitae), Labcorp
Classification: Uncertain significance for Familial cold autoinflammatory syndrome 3. Last evaluated: 2024-01-29. Review status: criteria provided, single submitter. Criteria: Invitae Variant Classification Sherloc (09022015). Collection method: clinical testing. Allele origin: germline.
Comment: This sequence change replaces leucine, which is neutral and non-polar, with proline, which is neutral and non-polar, at codon 1203 of the PLCG2 protein (p.Leu1203Pro). This variant is not present in population databases (gnomAD no frequency). This variant has not been reported in the literature in individuals affected with PLCG2-related conditions. An algorithm developed to predict the effect of missense changes on protein structure and function (PolyPhen-2) suggests that this variant is likely to be disruptive. In summary, the available evidence is currently insufficient to determine the role of this variant in disease. Therefore, it has been classified as a Variant of Uncertain Significance.

NM_002661.5(PLCG2):c.3608T>C (p.Leu1203Pro)

Gene: PLCG2 (phospholipase C gamma 2; plus strand). Cytogenetic location: 16q23.3.
Variant type: single nucleotide variant.
Coding change: c.3608T>C on transcript NM_002661.5 (MANE Select); coding-DNA position 3608, T replaced by C.
Protein change: p.Leu1203Pro; replaces leucine 1203 with proline.
Molecular consequence: missense variant.
Genome position (GRCh38, 1-based): chr16:81,956,732, T>C. VCF-style: chr16-81956732-T-C. GRCh37 (hg19) VCF-style: chr16-81990337-T-C.
Other names: c.3608T>C, p.Leu1203Pro (NM_001425749.1, NM_001425750.1, NM_001425751.1); short protein forms L1203P.
Identifiers: ClinVar variation 2699091 (VCV002699091.3), dbSNP rs2507822083, ClinGen allele CA396898242.